The following is an entry in ClinVar:

NM_001365902.3(NFIX):c.876C>T (p.Asp292=)

Gene: NFIX (nuclear factor I X; plus strand). Cytogenetic location: 19p13.13.
Variant type: single nucleotide variant.
Coding change: c.876C>T on transcript NM_001365902.3 (MANE Select); coding-DNA position 876, C replaced by T.
Protein change: p.Asp292=; no amino-acid change (aspartic acid 292 retained).
Molecular consequence: synonymous variant.
Genome position (GRCh38, 1-based): chr19:13,075,592, C>T. VCF-style: chr19-13075592-C-T. GRCh37 (hg19) VCF-style: chr19-13186406-C-T.
Other names: c.900C>T, p.Asp300= (NM_001271043.2); c.852C>T, p.Asp284= (NM_001271044.3, NM_001378404.1); c.876C>T, p.Asp292= (NM_001365982.2, NM_002501.4); c.735C>T, p.Asp245= (NM_001365983.2); c.873C>T, p.Asp291= (NM_001365984.2, NM_001365985.2); c.924C>T, p.Asp308= (NM_001378405.1).
Identifiers: ClinVar variation 2937290 (VCV002937290.25), dbSNP rs781317645, ClinGen allele CA9237089.
Genomic context (GRCh38, chr19:13,075,592, plus strand): 5'-CAGCACCACCAAGCGCCCCAAGTCCATCGATGACAGTGAGATGGAGAGCCCTGTTGATGA[C>T]GTGTTCTATCCCGGGACAGGCCGTTCCCCAGCAGCTGGCAGCAGCCAGTCCAGCGGGTGG-3'
Protein context (NP_001352831.1, residues 282-302): DDSEMESPVD[Asp292=]VFYPGTGRSP

ClinVar aggregate classification (germline): Likely benign. Review status: criteria provided, multiple submitters, no conflicts (2 of 4 stars). 2 submissions from 2 submitters: Likely benign (2). Last evaluated 2026-07-01.

Conditions:
Marshall-Smith syndrome (MRSHSS). Identifiers: Orphanet 561, MedGen C0265211, MONDO:0011244, OMIM 602535.
Malan overgrowth syndrome (MALNS). Also called: MALAN SYNDROME; Sotos syndrome 2; NFIX-Related Malan Syndrome. Identifiers: Orphanet 420179, MedGen C3553660, MONDO:0013885, OMIM 614753.

Allele frequency attached by ClinVar (database versions not stated): gnomAD exomes below 0.00001; gnomAD 0.00001; TOPMed 0.00002; ExAC 0.00003.
gnomAD v4.1: 9 of 1,613,544 alleles (0.00056%); highest among the groups gnomAD compares: Admixed American, 0.0017%; no homozygotes.

Submissions (2):

CeGaT Center for Human Genetics Tuebingen
Classification: Likely benign. Last evaluated: 2026-07-01. Review status: criteria provided, single submitter. Criteria: CeGaT Center For Human Genetics Tuebingen Variant Classification Criteria Version 2. Collection method: clinical testing. Allele origin: germline. Affected: yes. Observed: 2 variant alleles.
Comment: NFIX: BP4, BP7

Labcorp Genetics (formerly Invitae), Labcorp
Classification: Likely benign for Malan overgrowth syndrome; Marshall-Smith syndrome. Last evaluated: 2025-07-20. Review status: criteria provided, single submitter. Criteria: Invitae Variant Classification Sherloc (09022015). Collection method: clinical testing. Allele origin: germline.